The following is an entry in ClinVar:

NM_015164.4(PLEKHM2):c.2109del (p.Gly705fs)

Gene: PLEKHM2 (pleckstrin homology and RUN domain containing M2; plus strand). Cytogenetic location: 1p36.21.
Variant type: Deletion.
Coding change: c.2109del on transcript NM_015164.4 (MANE Select); coding-DNA position 2109, one base deleted (C; older notation c.2109delC).
Protein change: p.Gly705fs; shifts the reading frame from glycine 705.
Molecular consequence: frameshift variant.
Genome position (GRCh38, 1-based): chr1:15,729,830, C deleted. VCF-style (leftmost placement, unchanged base first): chr1-15729829-TC-T. GRCh37 (hg19) VCF-style: chr1-16056324-TC-T.
Other names: short protein forms G705fs.
Identifiers: ClinVar variation 478077 (VCV000478077.8), dbSNP rs1553161364, ClinGen allele CA658656877.

ClinVar aggregate classification (germline): Uncertain significance (1 of 4 stars; one submission).

Submission:

Labcorp Genetics (formerly Invitae), Labcorp
Classification: Uncertain significance. Last evaluated: 2017-02-16. Review status: criteria provided, single submitter. Criteria: Invitae Variant Classification Sherloc (09022015). Collection method: clinical testing. Allele origin: germline.
Comment: The current clinical and genetic evidence is not sufficient to establish whether loss-of-function variants in PLEKHM2 cause disease. Therefore, this variant has been classified as a Variant of Uncertain Significance This variant is not present in population databases (ExAC no frequency) and has not been reported in the literature in individuals with a PLEKHM2-related disease. This sequence change deletes 1 nucleotide from exon 14 of the PLEKHM2 mRNA (c.2109delC), causing a frameshift at codon 705. This creates a premature translational stop signal (p.Gly705Alafs*11) and is expected to result in an absent or disrupted protein product.